The following is an entry in ClinVar:

ClinVar aggregate classification (germline): Uncertain significance (1 of 4 stars; one submission).

Submission:

Labcorp Genetics (formerly Invitae), Labcorp
Classification: Uncertain significance. Last evaluated: 2022-06-05. Review status: criteria provided, single submitter. Criteria: Invitae Variant Classification Sherloc (09022015). Collection method: clinical testing. Allele origin: germline.
Comment: Algorithms developed to predict the effect of missense changes on protein structure and function are either unavailable or do not agree on the potential impact of this missense change (SIFT: "Not Available"; PolyPhen-2: "Benign"; Align-GVGD: "Not Available"). This variant has not been reported in the literature in individuals affected with INPPL1-related conditions. Information on the frequency of this variant in the gnomAD database is not available, as this variant may be reported differently in the database. This sequence change replaces glycine, which is neutral and non-polar, with valine, which is neutral and non-polar, at codon 1197 of the INPPL1 protein (p.Gly1197Val). In summary, the available evidence is currently insufficient to determine the role of this variant in disease. Therefore, it has been classified as a Variant of Uncertain Significance.

NM_001567.4(INPPL1):c.3590_3591delinsTA (p.Gly1197Val)

Gene: INPPL1 (inositol polyphosphate phosphatase like 1; plus strand). Cytogenetic location: 11q13.4.
Variant type: Indel.
Coding change: c.3590_3591delinsTA on transcript NM_001567.4 (MANE Select); coding-DNA positions 3590 to 3591, GC replaced by TA.
Protein change: p.Gly1197Val; replaces glycine 1197 with valine.
Molecular consequence: missense variant.
Genome position (GRCh38, 1-based): chr11:72,238,079-72,238,080, GC replaced by TA. VCF-style: chr11-72238079-GC-TA. GRCh37 (hg19) VCF-style: chr11-71949123-GC-TA.
Other names: short protein forms G1197V.
Identifiers: ClinVar variation 2002528 (VCV002002528.4), dbSNP rs2539251466, ClinGen allele CA2580084844.